The following is an entry in ClinVar:

ClinVar aggregate classification (germline): Likely pathogenic. Review status: criteria provided, multiple submitters, no conflicts (2 of 4 stars). 5 submissions from 5 submitters: Likely pathogenic (5). Last evaluated 2025-12-04.

Conditions:
Joubert syndrome 2 (JBTS2). Also called: CEREBELLOOCULORENAL SYNDROME 2. Identifiers: Orphanet 2318, MedGen C1842577, MONDO:0011963, OMIM 608091.
Meckel syndrome, type 2 (MKS2). Also called: MKS2-Related Meckel Syndrome; MECKEL-GRUBER SYNDROME, TYPE 2. Identifiers: Orphanet 564, MedGen C1864148, MONDO:0011296, OMIM 603194.
Joubert syndrome. Also called: JOUBERT-BOLTSHAUSER SYNDROME; Familial aplasia of the vermis; CEREBELLOPARENCHYMAL DISORDER IV. Identifiers: Orphanet 475, MedGen C5979921, MONDO:0018772.

Submissions (5):

Natera, Inc.
Classification: Likely pathogenic for Joubert syndrome type 2. Last evaluated: 2025-12-04. Review status: criteria provided, single submitter. Criteria: Natera Variant Classification Schema (03/2026). Collection method: clinical testing. Allele origin: germline.
Comment: The c.35-13_36delGCTCCTTTTTCAGGT variant in TMEM216 is a deletion affecting a canonical splice acceptor site. This variant is expected to result in nonsense mediated decay, truncation, or a dysfunctional protein product. This variant is rare in the general population with a frequency below the threshold expected for the associated phenotype(s). Given the available evidence, this variant is classified as Likely Pathogenic.

Labcorp Genetics (formerly Invitae), Labcorp
Classification: Likely pathogenic for Joubert syndrome. Last evaluated: 2025-04-23. Review status: criteria provided, single submitter. Criteria: Invitae Variant Classification Sherloc (09022015). Collection method: clinical testing. Allele origin: germline.
Comment: This variant results in the deletion of part of exon 2 (c.35-13_36del) of the TMEM216 gene. It is expected to disrupt RNA splicing. Variants that disrupt the donor or acceptor splice site typically lead to a loss of protein function (PMID: 16199547), and loss-of-function variants in TMEM216 are known to be pathogenic (PMID: 20512146). This variant is present in population databases (no rsID available, gnomAD 0.002%). This variant has not been reported in the literature in individuals affected with TMEM216-related conditions. ClinVar contains an entry for this variant (Variation ID: 376902). In summary, the currently available evidence indicates that the variant is pathogenic, but additional data are needed to prove that conclusively. Therefore, this variant has been classified as Likely Pathogenic.

Fulgent Genetics
Classification: Likely pathogenic for Meckel syndrome, type 2; Joubert syndrome 2. Last evaluated: 2024-05-02. Review status: criteria provided, single submitter. Criteria: ACMG Guidelines, 2015. Collection method: clinical testing. Allele origin: germline.

Baylor Genetics
Classification: Likely pathogenic for Joubert syndrome 2. Last evaluated: 2023-08-10. Review status: criteria provided, single submitter. Criteria: ACMG Guidelines, 2015. Collection method: clinical testing. Allele origin: unknown.

Center for Pediatric Genomic Medicine, Children's Mercy Hospital and Clinics
Classification: Likely pathogenic. Last evaluated: 2017-01-09. Review status: criteria provided, single submitter. Criteria: ACMG Guidelines, 2015. Collection method: clinical testing. Allele origin: germline.

Literature cited by the submitters: PubMed 16199547 (cited by Labcorp Genetics (formerly Invitae), Labcorp); PubMed 20512146 (cited by Labcorp Genetics (formerly Invitae), Labcorp).

NM_001173990.3(TMEM216):c.35-13_36del

Gene: TMEM216 (transmembrane protein 216; plus strand). Cytogenetic location: 11q12.2.
Variant type: Deletion.
Coding change: c.35-13_36del on transcript NM_001173990.3 (MANE Select); 13 bases into the intron before coding-DNA position 35 through coding-DNA position 36, 15 bases deleted (GCTCCTTTTTCAGGT).
Molecular consequence: splice acceptor variant.
Genome position (GRCh38, 1-based): chr11:61,393,218-61,393,232, GCTCCTTTTTCAGGT deleted; deleting any 15 consecutive bases within chr11:61,393,216-61,393,232 gives the same sequence; the c. name uses the placement nearest the transcript's 3' end. VCF-style (leftmost placement, unchanged base first): chr11-61393215-TGTGCTCCTTTTTCAG-T. GRCh37 (hg19) VCF-style: chr11-61160687-TGTGCTCCTTTTTCAG-T.
Other names: c.-149-13_-148del (NM_016499.6, NM_001330285.2); c.35-13_36del (NM_001173991.3); c.35-13_36delGCTCCTTTTTCAGGT (NM_001173990.2).
Identifiers: ClinVar variation 376902 (VCV000376902.12), dbSNP rs1057520085, ClinGen allele CA16603206.